The following is an entry in ClinVar:

NM_014946.4(SPAST):c.1494-3T>G

Gene: SPAST (spastin; plus strand). Cytogenetic location: 2p22.3.
Variant type: single nucleotide variant.
Coding change: c.1494-3T>G on transcript NM_014946.4 (MANE Select); 3 bases into the intron before coding-DNA position 1494, T replaced by G.
Molecular consequence: intron variant.
Genome position (GRCh38, 1-based): chr2:32,141,901, T>G. VCF-style: chr2-32141901-T-G. GRCh37 (hg19) VCF-style: chr2-32366970-T-G.
Other names: c.1398-3T>G (NM_199436.2, NM_001377959.1); c.1491-3T>G (NM_001363823.2); c.1395-3T>G (NM_001363875.2); c.1494-3T>G (NM_014946.3).
Identifiers: ClinVar variation 2695715 (VCV002695715.4), dbSNP rs2465896395, ClinGen allele CA2697547953.

ClinVar aggregate classification (germline): Uncertain significance. Review status: criteria provided, multiple submitters, no conflicts (2 of 4 stars). 2 submissions from 2 submitters: Uncertain significance (2). Last evaluated 2024-06-06.

Conditions:
Hereditary spastic paraplegia 4. Also called: Spastic Paraplegia 4; Spastic paraplegia 4, autosomal dominant; Familial spastic paraplegia autosomal dominant 2. Identifiers: Orphanet 100985, MedGen C1866855, MONDO:0008438, OMIM 182601.

Submissions (2):

Athena Diagnostics
Classification: Uncertain significance. Last evaluated: 2024-06-06. Review status: criteria provided, single submitter. Criteria: Athena Diagnostics Criteria. Collection method: clinical testing. Allele origin: unknown.

Labcorp Genetics (formerly Invitae), Labcorp
Classification: Uncertain significance for Hereditary spastic paraplegia 4. Last evaluated: 2023-11-14. Review status: criteria provided, single submitter. Criteria: Invitae Variant Classification Sherloc (09022015). Collection method: clinical testing. Allele origin: germline.
Comment: This sequence change falls in intron 12 of the SPAST gene. It does not directly change the encoded amino acid sequence of the SPAST protein. It affects a nucleotide within the consensus splice site. This variant is not present in population databases (gnomAD no frequency). This variant has been observed in individual(s) with clinical features of hereditary spastic paraplegia (Invitae). Variants that disrupt the consensus splice site are a relatively common cause of aberrant splicing (PMID: 17576681, 9536098). Algorithms developed to predict the effect of sequence changes on RNA splicing suggest that this variant may disrupt the consensus splice site. In summary, the available evidence is currently insufficient to determine the role of this variant in disease. Therefore, it has been classified as a Variant of Uncertain Significance.

Literature cited by the submitters: PubMed 17576681 (cited by Labcorp Genetics (formerly Invitae), Labcorp); PubMed 9536098 (cited by Labcorp Genetics (formerly Invitae), Labcorp).